The following is an entry in ClinVar:

NM_000016.6(ACADM):c.946-2A>C

Gene: ACADM (acyl-CoA dehydrogenase medium chain; plus strand). Cytogenetic location: 1p31.1.
Variant type: single nucleotide variant.
Coding change: c.946-2A>C on transcript NM_000016.6 (MANE Select); the canonical splice acceptor site of the intron before coding-DNA position 946, A replaced by C.
Molecular consequence: splice acceptor variant.
Genome position (GRCh38, 1-based): chr1:75,761,120, A>C. VCF-style: chr1-75761120-A-C. GRCh37 (hg19) VCF-style: chr1-76226805-A-C.
Other names: c.958-2A>C (NM_001127328.3); c.1045-2A>C (NM_001286043.2); c.838-2A>C (NM_001286042.2); c.379-2A>C (NM_001286044.2).
Identifiers: ClinVar variation 265452 (VCV000265452.23), dbSNP rs758753966, ClinGen allele CA913256.
Genomic context (GRCh38, chr1:75,761,120, plus strand): 5'-CAGGAAAAAACTTTTAAGTTTTCTCAATAAATATCCTTTAATTTTTTTCTTTTTAATTCT[A>C]GCACCAAGCAATATCATTTATGCTGGCTGAAATGGCAATGAAAGTTGAACTAGCTAGAAT-3'

ClinVar aggregate classification (germline): Pathogenic/Likely pathogenic. Review status: criteria provided, multiple submitters, no conflicts (2 of 4 stars). 10 submissions from 10 submitters: Pathogenic (8); Likely pathogenic (1). 1 of the submissions does not count toward it. Last evaluated 2026-04-01.

Conditions:
ACADM-related disorder. Also called: ACADM-related condition.
Medium-chain acyl-coenzyme A dehydrogenase deficiency (ACADMD). Also called: MCAD Deficiency; CARNITINE DEFICIENCY SECONDARY TO MEDIUM-CHAIN ACYL-CoA DEHYDROGENASE DEFICIENCY; MCADH DEFICIENCY; Medium chain acyl-CoA dehydrogenase deficiency; MCADD; ACADM DEFICIENCY. Identifiers: Orphanet 42, MedGen C0220710, MONDO:0008721, OMIM 201450.

Allele frequency attached by ClinVar (database versions not stated): gnomAD exomes below 0.00001 and 0.00001; TOPMed 0.00001; ExAC 0.00002.

Submissions (10):

CeGaT Center for Human Genetics Tuebingen
Classification: Pathogenic. Last evaluated: 2026-04-01. Review status: criteria provided, single submitter. Criteria: CeGaT Center For Human Genetics Tuebingen Variant Classification Criteria Version 2. Collection method: clinical testing. Allele origin: germline. Affected: yes. Observed: 1 variant allele.
Comment: ACADM: PVS1:Strong, PM2, PM3, PP4:Moderate

Labcorp Genetics (formerly Invitae), Labcorp
Classification: Pathogenic for Medium-chain acyl-coenzyme A dehydrogenase deficiency. Last evaluated: 2025-12-22. Review status: criteria provided, single submitter. Criteria: Invitae Variant Classification Sherloc (09022015). Collection method: clinical testing. Allele origin: germline.
Comment: This sequence change affects an acceptor splice site in intron 10 of the ACADM gene. It is expected to disrupt RNA splicing. Variants that disrupt the donor or acceptor splice site typically lead to a loss of protein function (PMID: 16199547), and loss-of-function variants in ACADM are known to be pathogenic (PMID: 16121256, 20434380). This variant is present in population databases (rs758753966, gnomAD 0.002%). Disruption of this splice site has been observed in individual(s) with medium-chain acyl-coenzyme A dehydrogenase deficiency (PMID: 16291504). This variant is also known as IVS10-2A>C. ClinVar contains an entry for this variant (Variation ID: 265452). Algorithms developed to predict the effect of sequence changes on RNA splicing suggest that this variant may disrupt the consensus splice site. For these reasons, this variant has been classified as Pathogenic.

Natera, Inc.
Classification: Pathogenic for Medium Chain Acyl-CoA Dehydrogenase Deficiency. Last evaluated: 2025-03-05. Review status: criteria provided, single submitter. Criteria: Natera Variant Classification Schema (03/2026). Collection method: clinical testing. Allele origin: germline.
Comment: The c.946-2A>C variant in ACADM is a canonical splice acceptor site variant predicted to affect pre-mRNA splicing, which may result in an abnormal transcript and altered protein product. This variant is expected to result in nonsense mediated decay, truncation, or a dysfunctional protein product. This variant is rare in the general population with a frequency below the threshold expected for the associated phenotype(s). This variant has been observed in one or more individuals affected with the associated recessive disease, as either homozygous or compound heterozygous with a second variant (PMID: 16291504). Given the available evidence, this variant is classified as Pathogenic.

Department of Genetics of Metabolic Diseases, Institute of Medical & Molecular Genetics, Hospital Universitario Hospital La Paz
Classification: Likely pathogenic for Medium-chain acyl-coenzyme A dehydrogenase deficiency. Last evaluated: 2024-09-01. Review status: criteria provided, single submitter. Criteria: ACMG Guidelines, 2015. Collection method: clinical testing. Allele origin: germline. Inheritance: Autosomal recessive inheritance. Affected: yes.
Comment: The variant NM_000016.5: c.946-2A>C p.(?) in ACADM is present at low frequency in gnomAD (0.001065%) and experimental studies showed it causes an skipping of exon 11 of the protein (PMID: 23810226). This variant has been observed in newborns with levels of C8 at NBS consistent with MCADD, along with a second pathogenic variant in ACADM (PMID: 24294134, Hidalgo Mayoral I et al., in press).

Baylor Genetics
Classification: Pathogenic for Medium-chain acyl-coenzyme A dehydrogenase deficiency. Last evaluated: 2024-02-29. Review status: criteria provided, single submitter. Criteria: ACMG Guidelines, 2015. Collection method: clinical testing. Allele origin: unknown.

Blueprint Genetics
Classification: Pathogenic for ACADM-related disorders. Last evaluated: 2024-01-15. Review status: criteria provided, single submitter. Criteria: ACMG Guidelines, 2015. Collection method: clinical testing. Allele origin: germline. Affected: yes. Observed: 5 variant alleles.

Women's Health and Genetics/Laboratory Corporation of America, LabCorp
Classification: Pathogenic for Medium-chain acyl-coenzyme A dehydrogenase deficiency. Last evaluated: 2021-07-01. Review status: criteria provided, single submitter. Criteria: LabCorp Variant Classification Summary - May 2015. Collection method: clinical testing. Allele origin: germline.
Comment: Variant summary: ACADM c.946-2A>C is located in a canonical splice-site and is predicted to affect mRNA splicing resulting in a significantly altered protein due to either exon skipping, shortening, or inclusion of intronic material. Several computational tools predict a significant impact on normal splicing: Four predict the variant abolishes a 3 acceptor site. Consistent with this, at least one publication reports experimental evidence that this variant leads to complete skipping of ACADM exon 11. c.946-2A>C (also described as IVS10-2A>C) has been reported in the literature in individuals (compound heterozygous) during newborn screening (Catarzi_ACADM_SciWorldJ_2013, Waddell_ACADM_MGM_2006) as well as in a heterozygous carrier with reduced MCAD activity (Tucci_2021). These data indicate that the variant may be associated with disease. Three ClinVar submitters (evaluation after 2014) cite the variant as pathogenic. Based on the evidence outlined above, the variant was classified as pathogenic.

Quest Diagnostics Nichols Institute San Juan Capistrano
Classification: Pathogenic. Last evaluated: 2018-12-07. Review status: criteria provided, single submitter. Criteria: Quest Diagnostics criteria. Collection method: clinical testing. Allele origin: germline.
Comment: The variant disrupts a canonical splice site, and is therefore predicted to result in the loss of a functional protein. Found in at least one symptomatic patient, and found in general population data that is consistent with pathogenicity. Predicted to negatively affect a known splice site. Nucleotide conservation is uninformative.

GeneDx
Classification: Pathogenic. Last evaluated: 2016-08-30. Review status: criteria provided, single submitter. Criteria: GeneDx Variant Classification (06012015). Collection method: clinical testing. Allele origin: germline. Affected: yes.
Comment: The c.946-2 A>C variant in the ACADM gene has been reported previously in association with medium chain acyl-CoA dehydrogenase (MCAD) deficiency (Waddell et al. 2006). The c.946-2 A>C variant was not observed in approximately 6500 individuals of European and African American ancestry in the NHLBI Exome Sequencing Project, indicating it is not a common benign variant in these populations. Functional studies found that c.946-2 A>C causes abnormal gene splicing resulting in skipping of exon 11 (Bruun et al. 2013). In summary, we interpret c.946-2 A>C to be a pathogenic variant.

Counsyl
Classification: Pathogenic for Medium-chain acyl-coenzyme A dehydrogenase deficiency. Last evaluated: 2017-02-21. Review status: no assertion criteria provided. Collection method: clinical testing. Allele origin: unknown. Not counted in ClinVar's aggregate classification.

Literature cited by the submitters: PubMed 16199547 (cited by Labcorp Genetics (formerly Invitae), Labcorp); PubMed 16121256 (cited by Labcorp Genetics (formerly Invitae), Labcorp); PubMed 20434380 (cited by Labcorp Genetics (formerly Invitae), Labcorp); PubMed 16291504 (cited by 5 submitters); PubMed 41022664 (cited by Department of Genetics of Metabolic Diseases, Institute of Medical & Molecular Genetics, Hospital Universitario Hospital La Paz); PubMed 23810226 (cited by 3 submitters); PubMed 24294134 (cited by Women's Health and Genetics/Laboratory Corporation of America, LabCorp and Counsyl); PubMed 16763904 (cited by Women's Health and Genetics/Laboratory Corporation of America, LabCorp); PubMed 33580884 (cited by Women's Health and Genetics/Laboratory Corporation of America, LabCorp).